The following is an entry in ClinVar:

NM_015001.3(SPEN):c.3984_3987del (p.Ser1329_Val1330insTer)

Gene: SPEN (spen family transcriptional repressor; plus strand). Cytogenetic location: 1p36.13.
Variant type: Deletion.
Coding change: c.3984_3987del on transcript NM_015001.3 (MANE Select); coding-DNA positions 3984 to 3987, 4 bases deleted (ATCT; older notation c.3984_3987delATCT).
Protein change: p.Ser1329_Val1330insTer.
Molecular consequence: frameshift variant.
Genome position (GRCh38, 1-based): chr1:15,930,224-15,930,227, ATCT deleted; deleting any 4 consecutive bases within chr1:15,930,222-15,930,227 gives the same sequence; the c. name uses the placement nearest the transcript's 3' end. VCF-style (leftmost placement, unchanged base first): chr1-15930221-ACTAT-A. GRCh37 (hg19) VCF-style: chr1-16256716-ACTAT-A.
Identifiers: ClinVar variation 5038105 (VCV005038105.1).

ClinVar aggregate classification (germline): Pathogenic (1 of 4 stars; one submission).

Conditions:
Radio-Tartaglia syndrome. Identifiers: Orphanet 662234, MedGen C5543339, MONDO:0859143, OMIM 619312.

Submission:

MVZ Medizinische Genetik Mainz
Classification: Pathogenic for Radio-Tartaglia syndrome. Last evaluated: 2026-05-20. Review status: criteria provided, single submitter. Criteria: UK Practice Guidelines For Variant Classification V4 01 2020. Collection method: clinical testing. Allele origin: germline. Inheritance: Autosomal dominant inheritance. Affected: yes. Observed: 1 variant allele.
Comment: ACMG Criteria: PVS1,PM2_SUP